The following is an entry in ClinVar:

ClinVar aggregate classification (germline): Uncertain significance. Review status: criteria provided, multiple submitters, no conflicts (2 of 4 stars). 3 submissions from 3 submitters: Uncertain significance (3). Last evaluated 2025-02-28.

Conditions:
Inborn genetic diseases. Identifiers: MedGen C0950123, MeSH D030342.

gnomAD v4.1: 86 of 1,613,814 alleles (0.0053%); highest among the groups gnomAD compares: Middle Eastern, 0.066%; 1 homozygote.

Submissions (3):

Ambry Genetics
Classification: Uncertain significance for Inborn genetic diseases. Last evaluated: 2025-02-28. Review status: criteria provided, single submitter. Criteria: Ambry Variant Classification Scheme 2023. Collection method: clinical testing. Allele origin: germline.

Blueprint Genetics
Classification: Uncertain significance. Last evaluated: 2024-09-16. Review status: criteria provided, single submitter. Criteria: ACMG Guidelines, 2015. Collection method: clinical testing. Allele origin: germline.

GeneDx
Classification: Uncertain significance. Last evaluated: 2024-04-22. Review status: criteria provided, single submitter. Criteria: GeneDx Variant Classification Process June 2021. Collection method: clinical testing. Allele origin: germline. Affected: yes.
Comment: In silico analysis indicates that this missense variant does not alter protein structure/function; Has not been previously published as pathogenic or benign to our knowledge

NM_005245.4(FAT1):c.9382G>A (p.Asp3128Asn)

Gene: FAT1 (FAT atypical cadherin 1; minus strand). Cytogenetic location: 4q35.2.
Variant type: single nucleotide variant.
Coding change: c.9382G>A on transcript NM_005245.4 (MANE Select); coding-DNA position 9382, G replaced by A.
Protein change: p.Asp3128Asn; replaces aspartic acid 3128 with asparagine.
Molecular consequence: missense variant.
Genome position (GRCh38, 1-based): chr4:186,613,190, C>T on the plus strand (G>A on the coding strand, the complement: FAT1 is on the minus strand). VCF-style: chr4-186613190-C-T. GRCh37 (hg19) VCF-style: chr4-187534344-C-T.
Other names: short protein forms D3128N.
Identifiers: ClinVar variation 3372710 (VCV003372710.3).